The following is an entry in ClinVar:

ClinVar aggregate classification (germline): Uncertain significance (1 of 4 stars; one submission).

Submission:

Labcorp Genetics (formerly Invitae), Labcorp
Classification: Uncertain significance. Last evaluated: 2021-09-23. Review status: criteria provided, single submitter. Criteria: Invitae Variant Classification Sherloc (09022015). Collection method: clinical testing. Allele origin: germline.
Comment: This sequence change replaces phenylalanine with leucine at codon 262 of the ADGRA3 protein (p.Phe262Leu). The phenylalanine residue is highly conserved and there is a small physicochemical difference between phenylalanine and leucine. This variant is not present in population databases (ExAC no frequency). This variant has not been reported in the literature in individuals affected with ADGRA3-related conditions. Algorithms developed to predict the effect of missense changes on protein structure and function are either unavailable or do not agree on the potential impact of this missense change (SIFT: "Tolerated"; PolyPhen-2: "Probably Damaging"; Align-GVGD: "Class C0"). In summary, the available evidence is currently insufficient to determine the role of this variant in disease. Therefore, it has been classified as a Variant of Uncertain Significance.

NM_145290.4(ADGRA3):c.784T>C (p.Phe262Leu)

Gene: ADGRA3 (adhesion G protein-coupled receptor A3; minus strand). Cytogenetic location: 4p15.2.
Variant type: single nucleotide variant.
Coding change: c.784T>C on transcript NM_145290.4 (MANE Select); coding-DNA position 784, T replaced by C.
Protein change: p.Phe262Leu; replaces phenylalanine 262 with leucine.
Molecular consequence: missense variant.
Genome position (GRCh38, 1-based): chr4:22,442,786, A>G on the plus strand (T>C on the coding strand, the complement: ADGRA3 is on the minus strand). VCF-style: chr4-22442786-A-G. GRCh37 (hg19) VCF-style: chr4-22444409-A-G.
Other names: short protein forms F262L.
Identifiers: ClinVar variation 1483369 (VCV001483369.6), dbSNP rs2109073437, ClinGen allele CA356477369.